The following is an entry in ClinVar:

NM_000094.4(COL7A1):c.1081C>T (p.Arg361Trp)

Gene: COL7A1 (collagen type VII alpha 1 chain; minus strand). Cytogenetic location: 3p21.31.
Variant type: single nucleotide variant.
Coding change: c.1081C>T on transcript NM_000094.4 (MANE Select); coding-DNA position 1081, C replaced by T.
Protein change: p.Arg361Trp; replaces arginine 361 with tryptophan.
Molecular consequence: missense variant.
Genome position (GRCh38, 1-based): chr3:48,592,363, G>A on the plus strand (C>T on the coding strand, the complement: COL7A1 is on the minus strand). VCF-style: chr3-48592363-G-A. GRCh37 (hg19) VCF-style: chr3-48629796-G-A.
Other names: short protein forms R361W.
Identifiers: ClinVar variation 1404027 (VCV001404027.7), dbSNP rs776805869, ClinGen allele CA73992587.

ClinVar aggregate classification (germline): Uncertain significance (1 of 4 stars; one submission).

gnomAD v4.1: 7 of 1,613,488 alleles (0.00043%); highest among the groups gnomAD compares: African/African-American, 0.0013%; no homozygotes.

Submission:

Labcorp Genetics (formerly Invitae), Labcorp
Classification: Uncertain significance. Last evaluated: 2025-05-07. Review status: criteria provided, single submitter. Criteria: Invitae Variant Classification Sherloc (09022015). Collection method: clinical testing. Allele origin: germline.
Comment: This sequence change replaces arginine, which is basic and polar, with tryptophan, which is neutral and slightly polar, at codon 361 of the COL7A1 protein (p.Arg361Trp). This variant is present in population databases (no rsID available, gnomAD 0.007%). This variant has not been reported in the literature in individuals affected with COL7A1-related conditions. ClinVar contains an entry for this variant (Variation ID: 1404027). Invitae Evidence Modeling of protein sequence and biophysical properties (such as structural, functional, and spatial information, amino acid conservation, physicochemical variation, residue mobility, and thermodynamic stability) indicates that this missense variant is not expected to disrupt COL7A1 protein function with a negative predictive value of 95%. Algorithms developed to predict the effect of sequence changes on RNA splicing suggest that this variant may disrupt the consensus splice site. In summary, the available evidence is currently insufficient to determine the role of this variant in disease. Therefore, it has been classified as a Variant of Uncertain Significance.